The following is an entry in ClinVar:

NM_001037333.3(CYFIP2):c.1465G>T (p.Val489Leu)

Gene: CYFIP2 (cytoplasmic FMR1 interacting protein 2; plus strand). Cytogenetic location: 5q33.3.
Variant type: single nucleotide variant.
Coding change: c.1465G>T on transcript NM_001037333.3 (MANE Select); coding-DNA position 1465, G replaced by T.
Protein change: p.Val489Leu; replaces valine 489 with leucine.
Molecular consequence: missense variant.
Genome position (GRCh38, 1-based): chr5:157,319,870, G>T. VCF-style: chr5-157319870-G-T. GRCh37 (hg19) VCF-style: chr5-156746878-G-T.
Other names: c.1387G>T, p.Val463Leu (NM_001291721.2); c.1465G>T, p.Val489Leu (NM_001291722.2, NM_014376.4); short protein forms V489L, V463L.
Identifiers: ClinVar variation 1511126 (VCV001511126.9), dbSNP rs763089939, ClinGen allele CA3533614.

ClinVar aggregate classification (germline): Uncertain significance. Review status: criteria provided, multiple submitters, no conflicts (2 of 4 stars). 2 submissions from 2 submitters: Uncertain significance (2). Last evaluated 2026-02-16.

Allele frequency attached by ClinVar (database versions not stated): gnomAD exomes below 0.00001 and 0.00001; ExAC 0.00001; gnomAD 0.00001; TOPMed 0.00003.
gnomAD v4.1: 5 of 1,613,950 alleles (0.00031%); highest among the groups gnomAD compares: African/African-American, 0.004%; no homozygotes.

Submissions (2):

Women's Health and Genetics/Laboratory Corporation of America, LabCorp
Classification: Uncertain significance. Last evaluated: 2026-02-16. Review status: criteria provided, single submitter. Criteria: LabCorp Variant Classification Summary - May 2015. Collection method: clinical testing. Allele origin: germline.
Comment: Variant summary: CYFIP2 c.1465G>T (p.Val489Leu) results in a conservative amino acid change in the encoded protein sequence. Algorithms developed to predict the effect of missense changes on protein structure and function are either unavailable or do not agree on the potential impact of this missense change. The variant allele was found at a frequency of 8e-06 in 250070 control chromosomes. The available data on variant occurrences in the general population are insufficient to allow any conclusion about variant significance. To our knowledge, no occurrence of c.1465G>T in individuals affected with CYFIP2-related conditions and no experimental evidence demonstrating its impact on protein function have been reported. ClinVar contains an entry for this variant (Variation ID: 1511126). Based on the evidence outlined above, the variant was classified as uncertain significance.

Labcorp Genetics (formerly Invitae), Labcorp
Classification: Uncertain significance. Last evaluated: 2024-12-22. Review status: criteria provided, single submitter. Criteria: Invitae Variant Classification Sherloc (09022015). Collection method: clinical testing. Allele origin: germline.
Comment: This sequence change replaces valine, which is neutral and non-polar, with leucine, which is neutral and non-polar, at codon 489 of the CYFIP2 protein (p.Val489Leu). This variant is present in population databases (rs763089939, gnomAD 0.007%). This variant has not been reported in the literature in individuals affected with CYFIP2-related conditions. ClinVar contains an entry for this variant (Variation ID: 1511126). Experimental studies and prediction algorithms are not available or were not evaluated, and the functional significance of this variant is currently unknown. In summary, the available evidence is currently insufficient to determine the role of this variant in disease. Therefore, it has been classified as a Variant of Uncertain Significance.